The following is an entry in ClinVar:

NM_020778.5(ALPK3):c.203T>C (p.Ile68Thr)

Gene: ALPK3 (alpha kinase 3; plus strand). Cytogenetic location: 15q25.3.
Variant type: single nucleotide variant.
Coding change: c.203T>C on transcript NM_020778.5 (MANE Select); coding-DNA position 203, T replaced by C.
Protein change: p.Ile68Thr; replaces isoleucine 68 with threonine.
Molecular consequence: missense variant.
Genome position (GRCh38, 1-based): chr15:84,827,504, T>C. VCF-style: chr15-84827504-T-C. GRCh37 (hg19) VCF-style: chr15-85370735-T-C.
Other names: p.Ile270Thr; c.809T>C (NM_020778.4); short protein forms I68T.
Identifiers: ClinVar variation 3021228 (VCV003021228.6), dbSNP rs758107970, ClinGen allele CA7708886.

ClinVar aggregate classification (germline): Uncertain significance. Review status: criteria provided, multiple submitters, no conflicts (2 of 4 stars). 3 submissions from 3 submitters: Uncertain significance (3). Last evaluated 2026-07-11.

Conditions:
Cardiovascular phenotype. Identifiers: MedGen CN230736.

Allele frequency attached by ClinVar (database versions not stated): ExAC 0.00002; gnomAD exomes 0.00001; TOPMed 0.00002; gnomAD 0.00001.

Submissions (3):

Ambry Genetics
Classification: Uncertain significance for Cardiovascular phenotype. Last evaluated: 2026-07-11. Review status: criteria provided, single submitter. Criteria: Ambry Variant Classification Scheme 2023. Collection method: clinical testing. Allele origin: germline.
Comment: The p.I270T variant (also known as c.809T>C), located in coding exon 3 of the ALPK3 gene, results from a T to C substitution at nucleotide position 809. The isoleucine at codon 270 is replaced by threonine, an amino acid with similar properties. This amino acid position is conserved. In addition, this alteration is predicted to be tolerated by in silico analysis. Based on the available evidence, the clinical significance of this variant remains unclear.

Labcorp Genetics (formerly Invitae), Labcorp
Classification: Uncertain significance. Last evaluated: 2025-12-27. Review status: criteria provided, single submitter. Criteria: Invitae Variant Classification Sherloc (09022015). Collection method: clinical testing. Allele origin: germline.
Comment: This sequence change replaces isoleucine, which is neutral and non-polar, with threonine, which is neutral and polar, at codon 270 of the ALPK3 protein (p.Ile270Thr). This variant is present in population databases (rs758107970, gnomAD 0.006%). This variant has not been reported in the literature in individuals affected with ALPK3-related conditions. ClinVar contains an entry for this variant (Variation ID: 3021228). An algorithm developed to predict the effect of missense changes on protein structure and function (PolyPhen-2) suggests that this variant is likely to be disruptive. In summary, the available evidence is currently insufficient to determine the role of this variant in disease. Therefore, it has been classified as a Variant of Uncertain Significance.

Mayo Clinic Laboratories, Mayo Clinic
Classification: Uncertain significance. Last evaluated: 2024-10-21. Review status: criteria provided, single submitter. Criteria: ACMG Guidelines, 2015. Collection method: clinical testing. Allele origin: germline. Observed: 1 variant allele.
Comment: BP4, PP2, PM2_supporting